The following is an entry in ClinVar:

ClinVar aggregate classification (germline): Pathogenic (1 of 4 stars; one submission).

Conditions:
Nephronophthisis 18 (NPHP18). Identifiers: Orphanet 655, MedGen C3890591, MONDO:0014374, OMIM 615862.

Submission:

Labcorp Genetics (formerly Invitae), Labcorp
Classification: Pathogenic for Nephronophthisis 18. Last evaluated: 2022-07-06. Review status: criteria provided, single submitter. Criteria: Invitae Variant Classification Sherloc (09022015). Collection method: clinical testing. Allele origin: germline.
Comment: For these reasons, this variant has been classified as Pathogenic. This variant has not been reported in the literature in individuals affected with CEP83-related conditions. This variant is a gross deletion of the genomic region encompassing exon(s) 3-6 of the CEP83 gene, which includes the initiator codon. This deletion extends beyond the assayed region for this gene and therefore may encompass additional genes. It is expected to result in an absent or disrupted protein product. Loss-of-function variants in CEP83 are known to be pathogenic (PMID: 23530209, 24882706).

Literature cited by the submitters: PubMed 23530209; PubMed 24882706.

NC_000012.11:g.(?_94794606)_(94806266_?)del

Gene: CEP83 (centrosomal protein 83; minus strand). Cytogenetic location: 12q22.
Variant type: Deletion.
Identifiers: ClinVar variation 2426269 (VCV002426269.4).